The following is an entry in ClinVar:

ClinVar aggregate classification (germline): Pathogenic (1 of 4 stars; one submission).

Conditions:
Bethlem myopathy 1A. Also called: MYOPATHY, BENIGN CONGENITAL, WITH CONTRACTURES; Bethlem myopathy 1; Bethlem Muscular Dystrophy. Identifiers: Orphanet 610, MedGen CN029274, MONDO:0024530, OMIM 158810.

Allele frequency attached by ClinVar (database versions not stated): gnomAD exomes below 0.00001.
gnomAD v4.1: 1 of 1,611,936 alleles (0.000062%); highest among the groups gnomAD compares: Non-Finnish European, 0.000085%; no homozygotes.

Submission:

Labcorp Genetics (formerly Invitae), Labcorp
Classification: Pathogenic for Bethlem myopathy 1A. Last evaluated: 2019-12-30. Review status: criteria provided, single submitter. Criteria: Invitae Variant Classification Sherloc (09022015). Collection method: clinical testing. Allele origin: germline.
Comment: This variant is not present in population databases (ExAC no frequency). This sequence change affects a donor splice site in intron 3 of the COL6A2 gene. It is expected to disrupt RNA splicing and likely results in an absent or disrupted protein product. For these reasons, this variant has been classified as Pathogenic. Donor and acceptor splice site variants typically lead to a loss of protein function (PMID: 16199547), and loss-of-function variants in COL6A2 are known to be pathogenic (PMID: 19884007, 20976770). In addition, donor and acceptor splice site variants in COL6A2 that result in in-frame exon skipping have also been reported to cause autosomal dominant COL6A2-related conditions (PMID: 18366090). In this individual the data is consistent with the variant being in trans (on the opposite chromosome) from a pathogenic variant.

Literature cited by the submitters: PubMed 16199547; PubMed 19884007; PubMed 20976770; PubMed 18366090.

NM_001849.4(COL6A2):c.714+1G>C

Gene: COL6A2 (collagen type VI alpha 2 chain; plus strand). Cytogenetic location: 21q22.3.
Variant type: single nucleotide variant.
Coding change: c.714+1G>C on transcript NM_001849.4 (MANE Select); the canonical splice donor site of the intron after coding-DNA position 714, G replaced by C.
Molecular consequence: splice donor variant.
Genome position (GRCh38, 1-based): chr21:46,112,578, G>C. VCF-style: chr21-46112578-G-C. GRCh37 (hg19) VCF-style: chr21-47532492-G-C.
Other names: c.714+1G>C (NM_058175.3, NM_058174.3).
Identifiers: ClinVar variation 849924 (VCV000849924.10), dbSNP rs2078419667, ClinGen allele CA410523248.